The following is an entry in ClinVar:

NM_000372.5(TYR):c.138T>A (p.Cys46Ter)

Gene: TYR (tyrosinase; plus strand). Cytogenetic location: 11q14.3.
Variant type: single nucleotide variant.
Coding change: c.138T>A on transcript NM_000372.5 (MANE Select); coding-DNA position 138, T replaced by A.
Protein change: p.Cys46Ter; replaces cysteine 46 with a stop codon.
Molecular consequence: nonsense.
Genome position (GRCh38, 1-based): chr11:89,178,091, T>A. VCF-style: chr11-89178091-T-A. GRCh37 (hg19) VCF-style: chr11-88911259-T-A.
Other names: short protein forms C46*.
Identifiers: ClinVar variation 620388 (VCV000620388.3), dbSNP rs1565386338, ClinGen allele CA382033551.

ClinVar aggregate classification (germline): Pathogenic/Likely pathogenic. Review status: criteria provided, multiple submitters, no conflicts (2 of 4 stars). 3 submissions from 3 submitters: Pathogenic (2); Likely pathogenic (1). Last evaluated 2026-03-31.

Conditions:
Oculocutaneous albinism type 1. Also called: Albinism 1; ALBINISM I. Identifiers: Orphanet 352731, MedGen C0268494, MONDO:0018135. Disease mechanism: loss of function.
TYR-related disorder. Also called: TYR-related condition.

gnomAD v4.1: 5 of 1,614,218 alleles (0.00031%); highest among the groups gnomAD compares: Non-Finnish European, 0.00034%; no homozygotes.

Submissions (3):

Myriad Genetics, Inc.
Classification: Pathogenic for Oculocutaneous albinism type 1. Last evaluated: 2026-03-31. Review status: criteria provided, single submitter. Criteria: Myriad Autosomal Dominant, Autosomal Recessive and X-Linked Classification Criteria (2023). Collection method: clinical testing. Allele origin: unknown.
Comment: NM_000372.4(TYR):c.138T>A(C46*) is a nonsense variant classified as pathogenic in the context of oculocutaneous albinism, TYR-related. C46* has not been observed in cases with relevant disease. Relevant functional assessments of this variant are not available in the literature. C46* has not been observed in referenced population frequency databases. In summary, NM_000372.4(TYR):c.138T>A(C46*) is a nonsense variant in a gene where loss of function is a known mechanism of disease and is predicted to disrupt protein function. Please note: this variant was assessed in the context of healthy population screening.

PreventionGenetics, part of Exact Sciences
Classification: Likely pathogenic for TYR-related condition. Last evaluated: 2026-03-31. Review status: criteria provided, single submitter. Criteria: ACMG Guidelines, 2015. Collection method: clinical testing. Allele origin: germline.
Comment: The TYR c.138T>A variant is predicted to result in premature protein termination (p.Cys46*). To our knowledge, this variant has not been reported in the literature. This variant is absent in a large population database (gnomAD), indicating this variant is rare. Nonsense variants in TYR are an established mechanism of disease. This variant is interpreted as likely pathogenic.

GeneDx
Classification: Pathogenic. Last evaluated: 2021-06-17. Review status: criteria provided, single submitter. Criteria: GeneDx Variant Classification Process June 2021. Collection method: clinical testing. Allele origin: germline. Affected: yes.
Comment: Nonsense variant predicted to result in protein truncation or nonsense mediated decay in a gene for which loss-of-function is a known mechanism of disease; Not observed at significant frequency in large population cohorts (Lek et al., 2016); Has not been previously published as pathogenic or benign to our knowledge